The following is an entry in ClinVar:

ClinVar aggregate classification (germline): Uncertain significance. Review status: criteria provided, multiple submitters, no conflicts (2 of 4 stars). 2 submissions from 2 submitters: Uncertain significance (2). Last evaluated 2022-03-30.

gnomAD v4.1: 125 of 1,613,746 alleles (0.0077%); highest among the groups gnomAD compares: Non-Finnish European, 0.01%; no homozygotes.

Submissions (2):

Blueprint Genetics
Classification: Uncertain significance. Last evaluated: 2022-03-30. Review status: criteria provided, single submitter. Criteria: ACMG Guidelines, 2015. Collection method: clinical testing. Allele origin: germline.

GeneDx
Classification: Uncertain significance. Last evaluated: 2021-06-30. Review status: criteria provided, single submitter. Criteria: GeneDx Variant Classification Process June 2021. Collection method: clinical testing. Allele origin: germline. Affected: yes.
Comment: In silico analysis supports that this missense variant does not alter protein structure/function; Has not been previously published as pathogenic or benign to our knowledge; This variant is associated with the following publications: (PMID: 27535533)

NM_207034.3(EDN3):c.689G>C (p.Arg230Pro)

Gene: EDN3 (endothelin 3; plus strand). Cytogenetic location: 20q13.32.
Variant type: single nucleotide variant.
Coding change: c.689G>C on transcript NM_207034.3 (MANE Select); coding-DNA position 689, G replaced by C.
Protein change: p.Arg230Pro; replaces arginine 230 with proline.
Molecular consequence: missense variant. On other transcripts: 3 prime UTR variant (3).
Genome position (GRCh38, 1-based): chr20:59,324,431, G>C. VCF-style: chr20-59324431-G-C. GRCh37 (hg19) VCF-style: chr20-57899486-G-C.
Other names: c.*96G>C (NM_001302455.2); c.*64G>C (NM_001302456.2, NM_207032.3); c.647G>C, p.Arg216Pro (NM_207033.3); short protein forms R216P, R230P.
Identifiers: ClinVar variation 1331118 (VCV001331118.3), dbSNP rs144250756, ClinGen allele CA9930476.